The following is an entry in ClinVar:

ClinVar aggregate classification (germline): Likely benign. Review status: criteria provided, multiple submitters, no conflicts (2 of 4 stars). 2 submissions from 2 submitters: Likely benign (2). Last evaluated 2026-01-31.

Submissions (2):

Labcorp Genetics (formerly Invitae), Labcorp
Classification: Likely benign. Last evaluated: 2026-01-31. Review status: criteria provided, single submitter. Criteria: Invitae Variant Classification Sherloc (09022015). Collection method: clinical testing. Allele origin: germline.

Laboratory for Molecular Medicine, Mass General Brigham Personalized Medicine
Classification: Likely benign. Last evaluated: 2012-04-17. Review status: criteria provided, single submitter. Criteria: LMM Criteria. Collection method: clinical testing. Allele origin: germline. Observed: 1 variant allele.
Comment: Gly514Gly in exon 7 of DFNB31: This variant is not expected to have clinical sig nificance because it does not alter an amino acid residue and is not located wit hin the splice consensus sequence.

NM_015404.4(WHRN):c.1542G>A (p.Gly514=)

Gene: WHRN (whirlin; minus strand). Cytogenetic location: 9q32.
Variant type: single nucleotide variant.
Coding change: c.1542G>A on transcript NM_015404.4 (MANE Select); coding-DNA position 1542, G replaced by A.
Protein change: p.Gly514=; no amino-acid change (glycine 514 retained).
Molecular consequence: synonymous variant.
Genome position (GRCh38, 1-based): chr9:114,423,398, C>T on the plus strand (G>A on the coding strand, the complement: WHRN is on the minus strand). VCF-style: chr9-114423398-C-T. GRCh37 (hg19) VCF-style: chr9-117185678-C-T.
Other names: c.393G>A, p.Gly131= (NM_001083885.3); c.1542G>A, p.Gly514= (NM_001173425.2); c.489G>A, p.Gly163= (NM_001346890.1).
Identifiers: ClinVar variation 45656 (VCV000045656.6), dbSNP rs397517257, ClinGen allele CA136885.